The following is an entry in ClinVar:

ClinVar aggregate classification (germline): Uncertain significance (1 of 4 stars; one submission).

gnomAD v4.1: 2 of 1,612,994 alleles (0.00012%); highest among the groups gnomAD compares: Non-Finnish European, 0.00017%; no homozygotes.

Submission:

Labcorp Genetics (formerly Invitae), Labcorp
Classification: Uncertain significance. Last evaluated: 2023-12-07. Review status: criteria provided, single submitter. Criteria: Invitae Variant Classification Sherloc (09022015). Collection method: clinical testing. Allele origin: germline.
Comment: This sequence change replaces serine, which is neutral and polar, with cysteine, which is neutral and slightly polar, at codon 3713 of the PCLO protein (p.Ser3713Cys). This variant is not present in population databases (gnomAD no frequency). This variant has not been reported in the literature in individuals affected with PCLO-related conditions. ClinVar contains an entry for this variant (Variation ID: 2005849). Experimental studies and prediction algorithms are not available or were not evaluated, and the functional significance of this variant is currently unknown. In summary, the available evidence is currently insufficient to determine the role of this variant in disease. Therefore, it has been classified as a Variant of Uncertain Significance.

NM_033026.6(PCLO):c.11138C>G (p.Ser3713Cys)

Gene: PCLO (piccolo presynaptic cytomatrix protein; minus strand). Cytogenetic location: 7q21.11.
Variant type: single nucleotide variant.
Coding change: c.11138C>G on transcript NM_033026.6 (MANE Select); coding-DNA position 11138, C replaced by G.
Protein change: p.Ser3713Cys; replaces serine 3713 with cysteine.
Molecular consequence: missense variant.
Genome position (GRCh38, 1-based): chr7:82,916,848, G>C on the plus strand (C>G on the coding strand, the complement: PCLO is on the minus strand). VCF-style: chr7-82916848-G-C. GRCh37 (hg19) VCF-style: chr7-82546164-G-C.
Other names: c.11138C>G, p.Ser3713Cys (NM_014510.3); short protein forms S3713C.
Identifiers: ClinVar variation 2005849 (VCV002005849.4), dbSNP rs1021317805, ClinGen allele CA161122146.